The following is an entry in ClinVar:

NM_001034853.2(RPGR):c.2188G>T (p.Gly730Ter)

Gene: RPGR (retinitis pigmentosa GTPase regulator; minus strand). Cytogenetic location: Xp11.4.
Variant type: single nucleotide variant.
Coding change: c.2188G>T on transcript NM_001034853.2 (MANE Select); coding-DNA position 2188, G replaced by T.
Protein change: p.Gly730Ter; replaces glycine 730 with a stop codon.
Molecular consequence: nonsense. On other transcripts: intron variant (8).
Genome position (GRCh38, 1-based): chrX:38,286,811, C>A on the plus strand (G>T on the coding strand, the complement: RPGR is on the minus strand). VCF-style: chrX-38286811-C-A. GRCh37 (hg19) VCF-style: chrX-38146064-C-A.
Other names: NM_001034853.2:c.2188G>T; c.1569+4148G>T (NM_001367249.1, NM_001367250.1); c.1902+283G>T (NM_001367245.1); c.1386+4148G>T (NM_001367251.1); c.1719+283G>T (NM_001367246.1); c.1572+4148G>T (NM_001367247.1); c.1905+283G>T (NM_000328.3); c.1602+4148G>T (NM_001367248.1); short protein forms G730*.
Identifiers: ClinVar variation 4082163 (VCV004082163.1).
Genomic context (GRCh38, chrX:38,286,811, plus strand): 5'-CTTCTTCCTCTTCTCTGTCTCCCTCCTCTTCTTCTCCTTCTCCATGCTCCTCCTCCCCTC[C>A]CTCCTCCATCTCTTGGTTTCTTTCCTTCTGATGGCCCTGCTCCCTCTCCTTTTGCTCCTG-3'

ClinVar aggregate classification (germline): Likely pathogenic (3 of 4 stars; one submission).

Conditions:
RPGR-related retinopathy. Also called: RPGR retinopathy. Identifiers: MedGen CN305589, MONDO:0100437.

Submission:

ClinGen X-linked Inherited Retinal Disease Variant Curation Expert Panel, ClinGen
Classification: Likely pathogenic for RPGR-related retinopathy. Last evaluated: 2025-09-07. Review status: reviewed by expert panel. Criteria: ClinGen X LinkedIRD ACMG Specifications RPGR V1.0.0. Collection method: curation. Allele origin: germline. Inheritance: X-linked inheritance.
Comment: NM_001034853.2(RPGR):c.2188G>T (p.Gly730Ter) is a nonsense variant introducing a premature stop in codon 730 within exon 15 of 15 that is predicted to disrupt a critical C-terminal region required for proper glutamylation of RPGR (PVS1, PMID: 36445968). This variant is absent from gnomAD v4.1.0 (PM2_Supporting). This variant has been reported in at least 1 proband with a diagnosis of retinitis pigmentosa (PMID:23372056), however, the number of individuals meeting one of the PS4 requirements of some functional vision impairment in an affected male by age 30 years, and/or decreased or absent electroretinogram responses was fewer than the requirement of at least 2 unrelated probands, so PS4_Supporting was not met. In summary, this variant is classified as likely pathogenic for RPGR-related retinopathy based on the ClinGen X-linked Inherited Retinal Disease Expert Panel Specifications to the ACMG/AMP Variant Interpretation Guidelines for RPGR Version 1.0.0; PVS1 and PM2_Supporting. (date of approval 05/16/2025).